The following is an entry in ClinVar:

ClinVar aggregate classification (germline): Uncertain significance. Review status: criteria provided, multiple submitters, no conflicts (2 of 4 stars). 2 submissions from 2 submitters: Uncertain significance (2). Last evaluated 2025-01-20.

Conditions:
Inborn genetic diseases. Identifiers: MedGen C0950123, MeSH D030342.

Allele frequency attached by ClinVar (database versions not stated): ExAC 0.00002; gnomAD exomes 0.00002 and 0.00011; gnomAD 0.00003 and 0.00004; TOPMed 0.00003; ESP Exome Variant Server 0.00008.
gnomAD v4.1: 161 of 1,613,534 alleles (0.01%); highest among the groups gnomAD compares: Non-Finnish European, 0.013%; no homozygotes.

Submissions (2):

Ambry Genetics
Classification: Uncertain significance for Inborn genetic diseases. Last evaluated: 2025-01-20. Review status: criteria provided, single submitter. Criteria: Ambry Variant Classification Scheme 2023. Collection method: clinical testing. Allele origin: germline.

Labcorp Genetics (formerly Invitae), Labcorp
Classification: Uncertain significance. Last evaluated: 2024-02-24. Review status: criteria provided, single submitter. Criteria: Invitae Variant Classification Sherloc (09022015). Collection method: clinical testing. Allele origin: germline.
Comment: This sequence change replaces valine, which is neutral and non-polar, with glycine, which is neutral and non-polar, at codon 300 of the TUBGCP6 protein (p.Val300Gly). This variant is present in population databases (rs202149738, gnomAD 0.008%). This variant has not been reported in the literature in individuals affected with TUBGCP6-related conditions. ClinVar contains an entry for this variant (Variation ID: 1413106). An algorithm developed to predict the effect of missense changes on protein structure and function (PolyPhen-2) suggests that this variant is likely to be tolerated. Algorithms developed to predict the effect of sequence changes on RNA splicing suggest that this variant may disrupt the consensus splice site. In summary, the available evidence is currently insufficient to determine the role of this variant in disease. Therefore, it has been classified as a Variant of Uncertain Significance.

NM_020461.4(TUBGCP6):c.899T>G (p.Val300Gly)

Gene: TUBGCP6 (tubulin gamma complex component 6; minus strand). Cytogenetic location: 22q13.33.
Variant type: single nucleotide variant.
Coding change: c.899T>G on transcript NM_020461.4 (MANE Select); coding-DNA position 899, T replaced by G.
Protein change: p.Val300Gly; replaces valine 300 with glycine.
Molecular consequence: missense variant.
Genome position (GRCh38, 1-based): chr22:50,240,210, A>C on the plus strand (T>G on the coding strand, the complement: TUBGCP6 is on the minus strand). VCF-style: chr22-50240210-A-C. GRCh37 (hg19) VCF-style: chr22-50678639-A-C.
Other names: c.899T>G (NM_020461.3); short protein forms V300G.
Identifiers: ClinVar variation 1413106 (VCV001413106.7), dbSNP rs202149738, ClinGen allele CA10308926.